The following is an entry in ClinVar:

ClinVar aggregate classification (germline): Likely benign (1 of 4 stars; one submission).

Conditions:
PLXNA2-related disorder. Also called: PLXNA2-related condition.

Submission:

PreventionGenetics, part of Exact Sciences
Classification: Likely benign for PLXNA2-related condition. Last evaluated: 2024-11-10. Review status: criteria provided, single submitter. Criteria: ACMG Guidelines, 2015. Collection method: clinical testing. Allele origin: germline.
Comment: This variant is classified as likely benign based on ACMG/AMP sequence variant interpretation guidelines (Richards et al. 2015 PMID: 25741868, with internal and published modifications).

NM_025179.4(PLXNA2):c.903C>G (p.Thr301=)

Gene: PLXNA2 (plexin A2; minus strand). Cytogenetic location: 1q32.2.
Variant type: single nucleotide variant.
Coding change: c.903C>G on transcript NM_025179.4 (MANE Select); coding-DNA position 903, C replaced by G.
Protein change: p.Thr301=; no amino-acid change (threonine 301 retained).
Molecular consequence: synonymous variant.
Genome position (GRCh38, 1-based): chr1:208,217,020, G>C on the plus strand (C>G on the coding strand, the complement: PLXNA2 is on the minus strand). VCF-style: chr1-208217020-G-C. GRCh37 (hg19) VCF-style: chr1-208390365-G-C.
Identifiers: ClinVar variation 4998646 (VCV004998646.1).
Genomic context (GRCh38, chr1:208,217,020, plus strand): 5'-TGAGTCCCCAGGCTTGGCCAGGTAAGCAGCCTGCAGGAGGCGGTATTCCACCCCGGCCCG[G>C]GTGCAGCCGAAGGGCAGGGACACGTATGAGTGGAACTTGGGGTCATCCTTGCAGAGCCGC-3'
Protein context (NP_079455.3, residues 291-311): HSYVSLPFGC[Thr301=]RAGVEYRLLQ